The following is an entry in ClinVar:

NM_001174096.2(ZEB1):c.400C>T (p.Gln134Ter)

Gene: ZEB1 (zinc finger E-box binding homeobox 1; plus strand). Cytogenetic location: 10p11.22.
Variant type: single nucleotide variant.
Coding change: c.400C>T on transcript NM_001174096.2 (MANE Select); coding-DNA position 400, C replaced by T.
Protein change: p.Gln134Ter; replaces glutamine 134 with a stop codon.
Molecular consequence: nonsense. On other transcripts: 5 prime UTR variant (30), intron variant (3).
Genome position (GRCh38, 1-based): chr10:31,502,425, C>T. VCF-style: chr10-31502425-C-T. GRCh37 (hg19) VCF-style: chr10-31791353-C-T.
Other names: c.349C>T, p.Gln117Ter (NM_001128128.3); c.337C>T, p.Gln113Ter (NM_001174093.2); c.346C>T, p.Gln116Ter (NM_001174094.2); c.196C>T, p.Gln66Ter (NM_001174095.2); c.-258C>T (NM_001323638.2, NM_001323641.2, NM_001323642.2 and 27 more transcripts); c.358C>T, p.Gln120Ter (NM_001323676.2); c.355C>T, p.Gln119Ter (NM_001323677.2); c.397C>T, p.Gln133Ter (NM_030751.6); and 3 more; short protein forms Q119*, Q134*, Q116*, Q133*, Q113*, Q117*, Q120*, Q66*.
Identifiers: ClinVar variation 2028102 (VCV002028102.4), dbSNP rs772364498, ClinGen allele CA5461478.

ClinVar aggregate classification (germline): Pathogenic (1 of 4 stars; one submission).

Submission:

Labcorp Genetics (formerly Invitae), Labcorp
Classification: Pathogenic. Last evaluated: 2022-08-31. Review status: criteria provided, single submitter. Criteria: Invitae Variant Classification Sherloc (09022015). Collection method: clinical testing. Allele origin: germline.
Comment: For these reasons, this variant has been classified as Pathogenic. This variant has not been reported in the literature in individuals affected with ZEB1-related conditions. This sequence change creates a premature translational stop signal (p.Gln133*) in the ZEB1 gene. It is expected to result in an absent or disrupted protein product. Loss-of-function variants in ZEB1 are known to be pathogenic (PMID: 16252232, 17935237, 30851240). This variant is present in population databases (rs772364498, gnomAD 0.003%).

Literature cited by the submitters: PubMed 16252232; PubMed 17935237; PubMed 30851240.